The following is an entry in ClinVar:

ClinVar aggregate classification (germline): Uncertain significance (1 of 4 stars; one submission).

Conditions:
Hereditary cancer-predisposing syndrome. Also called: Neoplastic Syndromes, Hereditary; Tumor predisposition; Hereditary Cancer Syndrome; Hereditary neoplastic syndrome. Identifiers: Orphanet 140162, MedGen C0027672, MeSH D009386, MONDO:0015356.

Submission:

Ambry Genetics
Classification: Uncertain significance for Hereditary cancer-predisposing syndrome. Last evaluated: 2026-01-19. Review status: criteria provided, single submitter. Criteria: Ambry Variant Classification Scheme 2023. Collection method: clinical testing. Allele origin: germline.
Comment: The p.P84L variant (also known as c.251C>T), located in coding exon 2 of the POLD1 gene, results from a C to T substitution at nucleotide position 251. The proline at codon 84 is replaced by leucine, an amino acid with similar properties. This amino acid position is conserved. In addition, this alteration is predicted to be tolerated by in silico analysis. Based on the available evidence, the clinical significance of this variant remains unclear.

NM_002691.4(POLD1):c.251C>T (p.Pro84Leu)

Gene: POLD1 (DNA polymerase delta 1, catalytic subunit; plus strand). Cytogenetic location: 19q13.33.
Variant type: single nucleotide variant.
Coding change: c.251C>T on transcript NM_002691.4 (MANE Select); coding-DNA position 251, C replaced by T.
Protein change: p.Pro84Leu; replaces proline 84 with leucine.
Molecular consequence: missense variant. On other transcripts: non-coding transcript variant (1).
Genome position (GRCh38, 1-based): chr19:50,399,419, C>T. VCF-style: chr19-50399419-C-T. GRCh37 (hg19) VCF-style: chr19-50902676-C-T.
Other names: c.251C>T, p.Pro84Leu (NM_001256849.1, NM_001308632.1, NM_001438210.1 and 3 more transcripts); short protein forms P84L.
Identifiers: ClinVar variation 4842916 (VCV004842916.1).
Genomic context (GRCh38, chr19:50,399,419, plus strand): 5'-TTCCCCCACCAGGGCAGGTCCCACCATCAGCCATAGATCCTCGCTGGCTTCGGCCCACAC[C>T]ACCAGCGCTGGACCCCCAGACAGAGCCCCTCATCTTCCAACAGTTGGAGATTGACCATTA-3'
Protein context (NP_002682.2, residues 74-94): AIDPRWLRPT[Pro84Leu]PALDPQTEPL